The following is an entry in ClinVar:

NM_005751.5(AKAP9):c.3244TCA[1] (p.Ser1083del)

Gene: AKAP9 (A-kinase anchoring protein 9; plus strand). Cytogenetic location: 7q21.2.
Variant type: Microsatellite.
Coding change: c.3244TCA[1] on transcript NM_005751.5 (MANE Select); one copy of the 3-base unit TCA starting at c.3244; the reference has two copies in a row; one copy, 3 bases deleted.
Protein change: p.Ser1083del; deletes serine 1083.
Molecular consequence: inframe deletion.
Genome position (GRCh38, 1-based): chr7:92,003,164-92,003,166, TCA deleted; deleting any 3 consecutive bases within chr7:92,003,160-92,003,166 gives the same sequence; the position shown is the placement nearest the transcript's 3' end. VCF-style (leftmost placement, unchanged base first): chr7-92003159-AATC-A. GRCh37 (hg19) VCF-style: chr7-91632473-AATC-A.
Other names: c.3244TCA[1], p.Ser1083del (NM_147185.3); short protein forms S1083del.
Identifiers: ClinVar variation 4745054 (VCV004745054.1).
Genomic context (GRCh38, chr7:92,003,159, plus strand): 5'-TTGGAGAAGAAAGTAAGCAAGAACAGTTGATTTTGGATCACTTACCATCTGTAACAAAGG[AATC>A]ATCACTTAGAGCAACTCAACCAAGTGAAAATGATAAACTTCAGAAAGAACTCAATGTACT-3'

ClinVar aggregate classification (germline): Uncertain significance (1 of 4 stars; one submission).

Conditions:
Long QT syndrome (LQTS). Identifiers: MedGen C0023976, MeSH D008133, MONDO:0002442. Disease mechanism: loss of function. Inheritance: Various modes of inheritance.

Submission:

Labcorp Genetics (formerly Invitae), Labcorp
Classification: Uncertain significance for Long QT syndrome. Last evaluated: 2025-03-31. Review status: criteria provided, single submitter. Criteria: Invitae Variant Classification Sherloc (09022015). Collection method: clinical testing. Allele origin: germline.
Comment: This variant, c.3247_3249del, results in the deletion of 1 amino acid(s) of the AKAP9 protein (p.Ser1083del), but otherwise preserves the integrity of the reading frame. This variant is not present in population databases (gnomAD no frequency). This variant has not been reported in the literature in individuals affected with AKAP9-related conditions. Experimental studies and prediction algorithms are not available or were not evaluated, and the functional significance of this variant is currently unknown. In summary, the available evidence is currently insufficient to determine the role of this variant in disease. Therefore, it has been classified as a Variant of Uncertain Significance.